The following is an entry in ClinVar:

NM_001358530.2(MOCS1):c.962C>T (p.Thr321Ile)

Gene: MOCS1 (molybdenum cofactor synthesis 1; minus strand). Cytogenetic location: 6p21.2.
Variant type: single nucleotide variant.
Coding change: c.962C>T on transcript NM_001358530.2 (MANE Select); coding-DNA position 962, C replaced by T.
Protein change: p.Thr321Ile; replaces threonine 321 with isoleucine.
Molecular consequence: missense variant. On other transcripts: non-coding transcript variant (1).
Genome position (GRCh38, 1-based): chr6:39,912,283, G>A on the plus strand (C>T on the coding strand, the complement: MOCS1 is on the minus strand). VCF-style: chr6-39912283-G-A. GRCh37 (hg19) VCF-style: chr6-39880027-G-A.
Other names: c.962C>T, p.Thr321Ile (NM_001075098.4, NM_001358529.2, NM_005943.6); c.701C>T, p.Thr234Ile (NM_001358531.2, NM_001358533.2, NM_001358534.2); short protein forms T234I, T321I.
Identifiers: ClinVar variation 1054181 (VCV001054181.6), dbSNP rs1304465015, ClinGen allele CA364042968.

ClinVar aggregate classification (germline): Uncertain significance (1 of 4 stars; one submission).

Conditions:
Sulfite oxidase deficiency due to molybdenum cofactor deficiency type A. Also called: Molybdenum Cofactor Deficiency A; Molybdenum cofactor deficiency, complementation group A. Identifiers: Orphanet 308386, Orphanet 833, MedGen C1854988, MONDO:0009643, OMIM 252150.

Allele frequency attached by ClinVar (database versions not stated): TOPMed 0.00001.

Submission:

Labcorp Genetics (formerly Invitae), Labcorp
Classification: Uncertain significance for Sulfite oxidase deficiency due to molybdenum cofactor deficiency type A. Last evaluated: 2021-08-28. Review status: criteria provided, single submitter. Criteria: Invitae Variant Classification Sherloc (09022015). Collection method: clinical testing. Allele origin: germline.
Comment: This sequence change replaces threonine with isoleucine at codon 321 of the MOCS1 protein (p.Thr321Ile). The threonine residue is highly conserved and there is a moderate physicochemical difference between threonine and isoleucine. This variant is not present in population databases (ExAC no frequency). This variant has not been reported in the literature in individuals affected with MOCS1-related conditions. Algorithms developed to predict the effect of missense changes on protein structure and function (SIFT, PolyPhen-2, Align-GVGD) all suggest that this variant is likely to be disruptive. In summary, the available evidence is currently insufficient to determine the role of this variant in disease. Therefore, it has been classified as a Variant of Uncertain Significance.